The following is an entry in ClinVar:

NM_006912.6(RIT1):c.548G>A (p.Arg183His)

Gene: RIT1 (Ras like without CAAX 1; minus strand). Cytogenetic location: 1q22.
Variant type: single nucleotide variant.
Coding change: c.548G>A on transcript NM_006912.6 (MANE Select); coding-DNA position 548, G replaced by A.
Protein change: p.Arg183His; replaces arginine 183 with histidine.
Molecular consequence: missense variant.
Genome position (GRCh38, 1-based): chr1:155,900,500, C>T on the plus strand (G>A on the coding strand, the complement: RIT1 is on the minus strand). VCF-style: chr1-155900500-C-T. GRCh37 (hg19) VCF-style: chr1-155870291-C-T.
Other names: c.440G>A, p.Arg147His (NM_001256820.2); c.599G>A, p.Arg200His (NM_001256821.2); c.548G>A (NM_006912.5); short protein forms R183H, R200H, R147H.
Identifiers: ClinVar variation 1357417 (VCV001357417.7), dbSNP rs1673291082, ClinGen allele CA342801178.
Genomic context (GRCh38, chr1:155,900,500, plus strand): 5'-ACACTGTTTTTGGGCTTAGATTTTTTCTCCATGGCCAGTACTGCCTCCTTTTCTTTCCTA[C>T]GTATCTCCCGTACAAGGGCATGGAAAACATCATCAATATAGTAGCGGTATGCAGCAGATG-3'
Protein context (NP_008843.1, residues 173-193): DVFHALVREI[Arg183His]RKEKEAVLAM

ClinVar aggregate classification (germline): Uncertain significance. Review status: criteria provided, multiple submitters, no conflicts (2 of 4 stars). 2 submissions from 2 submitters: Uncertain significance (2). Last evaluated 2025-05-21.

Conditions:
Noonan syndrome 8 (NS8). Identifiers: Orphanet 648, MedGen C3809233, MONDO:0014143, OMIM 615355.

Allele frequency attached by ClinVar (database versions not stated): gnomAD exomes below 0.00001; TOPMed below 0.00001; gnomAD 0.00001.
gnomAD v4.1: 5 of 1,613,980 alleles (0.00031%); highest among the groups gnomAD compares: Non-Finnish European, 0.00034%; no homozygotes.

Submissions (2):

Labcorp Genetics (formerly Invitae), Labcorp
Classification: Uncertain significance for Noonan syndrome 8. Last evaluated: 2025-05-21. Review status: criteria provided, single submitter. Criteria: Invitae Variant Classification Sherloc (09022015). Collection method: clinical testing. Allele origin: germline.
Comment: This sequence change replaces arginine, which is basic and polar, with histidine, which is basic and polar, at codon 183 of the RIT1 protein (p.Arg183His). This variant is not present in population databases (gnomAD no frequency). This variant has not been reported in the literature in individuals affected with RIT1-related conditions. ClinVar contains an entry for this variant (Variation ID: 1357417). An algorithm developed to predict the effect of missense changes on protein structure and function (PolyPhen-2) suggests that this variant is likely to be disruptive. In summary, the available evidence is currently insufficient to determine the role of this variant in disease. Therefore, it has been classified as a Variant of Uncertain Significance.

GeneDx
Classification: Uncertain significance. Last evaluated: 2024-12-26. Review status: criteria provided, single submitter. Criteria: GeneDx Variant Classification Process June 2021. Collection method: clinical testing. Allele origin: germline. Affected: yes.
Comment: Not observed at significant frequency in large population cohorts (gnomAD); In silico analysis supports that this missense variant has a deleterious effect on protein structure/function; Has not been previously published as pathogenic or benign to our knowledge